The following is an entry in ClinVar:

NM_000090.4(COL3A1):c.3500_3501delinsAA (p.Gly1167Glu)

Gene: COL3A1 (collagen type III alpha 1 chain; plus strand). Cytogenetic location: 2q32.2.
Variant type: Indel.
Coding change: c.3500_3501delinsAA on transcript NM_000090.4 (MANE Select); coding-DNA positions 3500 to 3501, GT replaced by AA.
Protein change: p.Gly1167Glu; replaces glycine 1167 with glutamic acid.
Molecular consequence: missense variant.
Genome position (GRCh38, 1-based): chr2:189,008,117-189,008,118, GT replaced by AA. VCF-style: chr2-189008117-GT-AA. GRCh37 (hg19) VCF-style: chr2-189872843-GT-AA.
Other names: c.3500_3501delGTinsAA (NM_000090.3); short protein forms G1167E.
Identifiers: ClinVar variation 263793 (VCV000263793.3), dbSNP rs886038925, ClinGen allele CA10587539.

ClinVar aggregate classification (germline): Pathogenic (1 of 4 stars; one submission).

Conditions:
Cardiovascular phenotype. Identifiers: MedGen CN230736.

Submission:

Ambry Genetics
Classification: Pathogenic for Cardiovascular phenotype. Last evaluated: 2014-04-10. Review status: criteria provided, single submitter. Criteria: Ambry Autosomal Dominant and X-Linked criteria (10/2015). Collection method: clinical testing. Allele origin: germline. Observed: 1 variant allele.
Comment: The p.G1167E pathogenic mutation (also known as c.3500_3501delGTinsAA) is located in coding exon 47 of the COL3A1 gene. This alteration results from a deletion of GT and insertion of AA at nucleotide positions 3500-3501. The glycine at codon 1167 is replaced by glutamic acid. This amino acid position is highly conserved on sequence alignment. The majority (approximately two-thirds) of COL3A1 mutations identified to date have involved the substitution of another amino acid for glycine within the triple-helical domain (Schwarze U et al. Am J Hum Genet. 1997;61(6):1276-1286). In addition, another alteration of the same codon, p.G1167V (c.3500G>T), has been reported as pathogenic (Johnson PH et al. Hum Mutat. 1995;6(4):336-342). Based on the supporting evidence, p.G1167E is interpreted as a disease-causing mutation.